The following is an entry in ClinVar:

NM_004523.4(KIF11):c.1486del (p.Ala496fs)

Gene: KIF11 (kinesin family member 11; plus strand). Cytogenetic location: 10q23.33.
Variant type: Deletion.
Coding change: c.1486del on transcript NM_004523.4 (MANE Select); coding-DNA position 1486, one base deleted (G; older notation c.1486delG).
Protein change: p.Ala496fs; shifts the reading frame from alanine 496.
Molecular consequence: frameshift variant.
Genome position (GRCh38, 1-based): chr10:92,630,356, G deleted. VCF-style (leftmost placement, unchanged base first): chr10-92630355-TG-T. GRCh37 (hg19) VCF-style: chr10-94390112-TG-T.
Other names: short protein forms A496fs.
Identifiers: ClinVar variation 4730943 (VCV004730943.1).
Genomic context (GRCh38, chr10:92,630,355, plus strand): 5'-TGTTAAAGAAGAATATATCACATCAGCTTTGGAAAGTACTGAGGAGAAACTTCATGATGC[TG>T]CCAGCAAGGTTTGTCCCTTGTGTTGATTTGTACTCATATTAAGTAGAGAATGGGTAGAAA-3'

ClinVar aggregate classification (germline): Pathogenic (1 of 4 stars; one submission).

Submission:

Labcorp Genetics (formerly Invitae), Labcorp
Classification: Pathogenic. Last evaluated: 2025-11-11. Review status: criteria provided, single submitter. Criteria: Invitae Variant Classification Sherloc (09022015). Collection method: clinical testing. Allele origin: germline.
Comment: This sequence change creates a premature translational stop signal (p.Ala496Profs*43) in the KIF11 gene. It is expected to result in an absent or disrupted protein product. Loss-of-function variants in KIF11 are known to be pathogenic (PMID: 22284827, 24281367). This variant is not present in population databases (gnomAD no frequency). This variant has not been reported in the literature in individuals affected with KIF11-related conditions. For these reasons, this variant has been classified as Pathogenic.

Literature cited by the submitters: PubMed 22284827; PubMed 24281367.